The following is an entry in ClinVar:

ClinVar aggregate classification (germline): Uncertain significance (1 of 4 stars; one submission).

Conditions:
Arrhythmogenic right ventricular dysplasia 10. Also called: Arrhythmogenic Right Ventricular Dysplasia/Cardiomyopathy10; Arrhythmogenic right ventricular dysplasia/cardiomyopathy, type 10; ARRHYTHMOGENIC RIGHT VENTRICULAR DYSPLASIA, FAMILIAL, 10. Identifiers: MedGen C1857777, MONDO:0012434, OMIM 610193.

gnomAD v4.1: 1 of 1,613,870 alleles (0.000062%); highest among the groups gnomAD compares: African/African-American, 0.0013%; no homozygotes.

Submission:

Labcorp Genetics (formerly Invitae), Labcorp
Classification: Uncertain significance for Arrhythmogenic right ventricular dysplasia 10. Last evaluated: 2023-07-29. Review status: criteria provided, single submitter. Criteria: Invitae Variant Classification Sherloc (09022015). Collection method: clinical testing. Allele origin: germline.
Comment: In summary, the available evidence is currently insufficient to determine the role of this variant in disease. Therefore, it has been classified as a Variant of Uncertain Significance. Variants that disrupt the consensus splice site are a relatively common cause of aberrant splicing (PMID: 17576681, 9536098). Algorithms developed to predict the effect of sequence changes on RNA splicing suggest that this variant is not likely to affect RNA splicing. This variant has not been reported in the literature in individuals affected with DSG2-related conditions. This variant is not present in population databases (gnomAD no frequency). This sequence change falls in intron 13 of the DSG2 gene. It does not directly change the encoded amino acid sequence of the DSG2 protein. It affects a nucleotide within the consensus splice site.

Literature cited by the submitters: PubMed 17576681; PubMed 9536098.

NM_001943.5(DSG2):c.2001+3C>T

Gene: DSG2 (desmoglein 2; plus strand). Cytogenetic location: 18q12.1.
Variant type: single nucleotide variant.
Coding change: c.2001+3C>T on transcript NM_001943.5 (MANE Select); 3 bases into the intron after coding-DNA position 2001, C replaced by T.
Molecular consequence: intron variant.
Genome position (GRCh38, 1-based): chr18:31,541,317, C>T. VCF-style: chr18-31541317-C-T. GRCh37 (hg19) VCF-style: chr18-29121280-C-T.
Identifiers: ClinVar variation 2806339 (VCV002806339.3), dbSNP rs746471051, ClinGen allele CA2641407001.
Genomic context (GRCh38, chr18:31,541,317, plus strand): 5'-TGGCACCATAGAGATGCTGCATCCTTGGAATAATGAAGGAGCACCACCTGAAGACAAGGT[C>T]AGTGGATCAGATGTCAATATGACTTGTCTTCTTCTTGGGTTTTAAAGGGGCCTAGGGAAG-3'